The following is an entry in ClinVar:

NM_003839.4(TNFRSF11A):c.*2077G>T

Gene: TNFRSF11A (TNF receptor superfamily member 11a; plus strand). Cytogenetic location: 18q21.33.
Variant type: single nucleotide variant.
Coding change: c.*2077G>T on transcript NM_003839.4 (MANE Select); 2077 bases downstream of the stop codon, G replaced by T.
Molecular consequence: 3 prime UTR variant.
Genome position (GRCh38, 1-based): chr18:62,387,111, G>T. VCF-style: chr18-62387111-G-T. GRCh37 (hg19) VCF-style: chr18-60054344-G-T.
Other names: c.*2352G>T (NM_001270949.2); c.*2077G>T (NM_001270950.2, NM_001270951.2, NM_001278268.2).
Identifiers: ClinVar variation 889869 (VCV000889869.4), dbSNP rs75853662, ClinGen allele CA301716447.
Genomic context (GRCh38, chr18:62,387,111, plus strand): 5'-TTTTATTTTTTCCTTCTATAAAAAGGCAATAATGATAATTTATAATAGTTTCCCTACCCA[G>T]AGATATTAGAAGTATGCTACAGTGAATGTTAAAGTACCTTGAGATCCTTAAATCAAAGGT-3'

ClinVar aggregate classification (germline): Likely benign. Review status: criteria provided, single submitter (1 of 4 stars). 2 submissions from 1 submitter: Likely benign (2). Last evaluated 2018-01-12.

Conditions:
Autosomal recessive osteopetrosis 7. Identifiers: Orphanet 178389, MedGen C2676766, MONDO:0012859, OMIM 612301.
Paget disease of bone 2, early-onset (PDB2). Also called: Paget disease of bone 2. Identifiers: MedGen C4085251, MONDO:0011183, OMIM 602080.

Allele frequency attached by ClinVar (database versions not stated): gnomAD 0.00261 and 0.00278; TOPMed 0.00286; 1000 Genomes Project 0.00319; 1000 Genomes Project 30x 0.00328.

Submissions (2):

Illumina Laboratory Services, Illumina
Classification: Likely benign for Paget disease of bone 2, early-onset. Last evaluated: 2018-01-12. Review status: criteria provided, single submitter. Criteria: ICSL Variant Classification Criteria 13 December 2019. Collection method: clinical testing. Allele origin: germline.
Comment: This variant was observed in the ICSL laboratory as part of a predisposition screen in an ostensibly healthy population. It had not been previously curated by ICSL or reported in the Human Gene Mutation Database (HGMD: prior to June 1st, 2018), and was therefore a candidate for classification through an automated scoring system. Utilizing variant allele frequency, disease prevalence and penetrance estimates, and inheritance mode, an automated score was calculated to assess if this variant is too frequent to cause the disease. Based on the score and internal cut-off values, a variant classified as likely benign is not then subjected to further curation. The score for this variant resulted in a classification of likely benign for this disease.

Illumina Laboratory Services, Illumina
Classification: Likely benign for Autosomal recessive osteopetrosis 7. Last evaluated: 2018-01-12. Review status: criteria provided, single submitter. Criteria: ICSL Variant Classification Criteria 13 December 2019. Collection method: clinical testing. Allele origin: germline.
Comment: the same text as in the submission from Illumina Laboratory Services, Illumina above.